The following is an entry in ClinVar:

NM_017649.5(CNNM2):c.2477A>C (p.Gln826Pro)

Gene: CNNM2 (cyclin and CBS domain divalent metal cation transport mediator 2; plus strand). Cytogenetic location: 10q24.32.
Variant type: single nucleotide variant.
Coding change: c.2477A>C on transcript NM_017649.5 (MANE Select); coding-DNA position 2477, A replaced by C.
Protein change: p.Gln826Pro; replaces glutamine 826 with proline.
Molecular consequence: missense variant.
Genome position (GRCh38, 1-based): chr10:103,077,029, A>C. VCF-style: chr10-103077029-A-C. GRCh37 (hg19) VCF-style: chr10-104836786-A-C.
Other names: c.2477A>C (NM_017649.3); c.2411A>C, p.Gln804Pro (NM_199076.3); short protein forms Q804P, Q826P.
Identifiers: ClinVar variation 1303711 (VCV001303711.4), dbSNP rs1487281040, ClinGen allele CA377964744.

ClinVar aggregate classification (germline): Uncertain significance. Review status: criteria provided, multiple submitters, no conflicts (2 of 4 stars). 3 submissions from 3 submitters: Uncertain significance (3). Last evaluated 2025-12-11.

Conditions:
Inborn genetic diseases. Identifiers: MedGen C0950123, MeSH D030342.

Allele frequency attached by ClinVar (database versions not stated): gnomAD exomes below 0.00001 and 0.00001; gnomAD 0.00001; TOPMed 0.00002.
gnomAD v4.1: 15 of 1,613,870 alleles (0.00093%); highest among the groups gnomAD compares: Non-Finnish European, 0.0012%; no homozygotes.

Submissions (3):

Labcorp Genetics (formerly Invitae), Labcorp
Classification: Uncertain significance. Last evaluated: 2025-12-11. Review status: criteria provided, single submitter. Criteria: Invitae Variant Classification Sherloc (09022015). Collection method: clinical testing. Allele origin: germline.
Comment: This sequence change replaces glutamine, which is neutral and polar, with proline, which is neutral and non-polar, at codon 826 of the CNNM2 protein (p.Gln826Pro). This variant is present in population databases (no rsID available, gnomAD 0.0009%). This variant has not been reported in the literature in individuals affected with CNNM2-related conditions. ClinVar contains an entry for this variant (Variation ID: 1303711). Invitae Evidence Modeling of protein sequence and biophysical properties (such as structural, functional, and spatial information, amino acid conservation, physicochemical variation, residue mobility, and thermodynamic stability) indicates that this missense variant is not expected to disrupt CNNM2 protein function with a negative predictive value of 80%. In summary, the available evidence is currently insufficient to determine the role of this variant in disease. Therefore, it has been classified as a Variant of Uncertain Significance.

Ambry Genetics
Classification: Uncertain significance for Inborn genetic diseases. Last evaluated: 2025-11-12. Review status: criteria provided, single submitter. Criteria: Ambry Variant Classification Scheme 2023. Collection method: clinical testing. Allele origin: germline.

GeneDx
Classification: Uncertain significance. Last evaluated: 2020-05-07. Review status: criteria provided, single submitter. Criteria: GeneDx Variant Classification Process June 2021. Collection method: clinical testing. Allele origin: germline. Affected: yes.
Comment: Not observed at a significant frequency in large population cohorts (Lek et al., 2016); In silico analysis supports that this missense variant has a deleterious effect on protein structure/function; Has not been previously published as pathogenic or benign to our knowledge